The following is an entry in ClinVar:

NM_177438.3(DICER1):c.325C>A (p.Gln109Lys)

Gene: DICER1 (dicer 1, ribonuclease III; minus strand). Cytogenetic location: 14q32.13.
Variant type: single nucleotide variant.
Coding change: c.325C>A on transcript NM_177438.3 (MANE Select); coding-DNA position 325, C replaced by A.
Protein change: p.Gln109Lys; replaces glutamine 109 with lysine.
Molecular consequence: missense variant. On other transcripts: 5 prime UTR variant (2), non-coding transcript variant (5), intron variant (6).
Genome position (GRCh38, 1-based): chr14:95,131,622, G>T on the plus strand (C>A on the coding strand, the complement: DICER1 is on the minus strand). VCF-style: chr14-95131622-G-T. GRCh37 (hg19) VCF-style: chr14-95597959-G-T.
Other names: c.325C>A, p.Gln109Lys (NM_001195573.1, NM_001271282.3, NM_001291628.2 and 15 more transcripts); c.43C>A, p.Gln15Lys (NM_001395686.1); c.-134C>A (NM_001395691.1); c.-1244C>A (NM_001395697.1); c.33+893C>A (NM_001395690.1, NM_001395687.1, NM_001395689.1 and 3 more transcripts); short protein forms Q109K, Q15K.
Identifiers: ClinVar variation 1729507 (VCV001729507.2), dbSNP rs1893959823, ClinGen allele CA390889423.
Genomic context (GRCh38, chr14:95,131,622, plus strand): 5'-CTTCTAGGTTTGAGTATTCCCCAACCTTGAGATCTGAATGAGTTCTGACAGCTGACACTT[G>T]TTGAGCAACCTGGTTTGCTAATTACAAATATAATACTCCATGTAAATATGAGAAATCTTG-3'
Protein context (NP_803187.1, residues 99-119): LVNSANQVAQ[Gln109Lys]VSAVRTHSDL

ClinVar aggregate classification (germline): Uncertain significance (1 of 4 stars; one submission).

Conditions:
Hereditary cancer-predisposing syndrome. Also called: Neoplastic Syndromes, Hereditary; Tumor predisposition; Hereditary Cancer Syndrome; Hereditary neoplastic syndrome. Identifiers: Orphanet 140162, MedGen C0027672, MeSH D009386, MONDO:0015356.

Submission:

Ambry Genetics
Classification: Uncertain significance for Hereditary cancer-predisposing syndrome. Last evaluated: 2020-05-29. Review status: criteria provided, single submitter. Criteria: Ambry Variant Classification Scheme 2023. Collection method: clinical testing. Allele origin: germline.
Comment: The p.Q109K variant (also known as c.325C>A), located in coding exon 3 of the DICER1 gene, results from a C to A substitution at nucleotide position 325. The glutamine at codon 109 is replaced by lysine, an amino acid with similar properties. This amino acid position is highly conserved in available vertebrate species. In addition, this alteration is predicted to be deleterious by in silico analysis. Since supporting evidence is limited at this time, the clinical significance of this alteration remains unclear.